The following is an entry in ClinVar:

ClinVar aggregate classification (germline): Pathogenic (1 of 4 stars; one submission).

Conditions:
Galactosylceramide beta-galactosidase deficiency. Also called: GALACTOCEREBROSIDASE DEFICIENCY; GALC DEFICIENCY; GLOBOID CELL LEUKOENCEPHALOPATHY; Krabbe Disease; Leukodystrophy, Globoid Cell. Identifiers: Orphanet 487, MedGen C0023521, MONDO:0009499, OMIM 245200.

Submission:

Labcorp Genetics (formerly Invitae), Labcorp
Classification: Pathogenic for Galactosylceramide beta-galactosidase deficiency. Last evaluated: 2021-09-03. Review status: criteria provided, single submitter. Criteria: Invitae Variant Classification Sherloc (09022015). Collection method: clinical testing. Allele origin: germline.
Comment: For these reasons, this variant has been classified as Pathogenic. This variant has not been reported in the literature in individuals affected with GALC-related conditions. This variant is not present in population databases (ExAC no frequency). This sequence change creates a premature translational stop signal (p.Lys429Trpfs*15) in the GALC gene. It is expected to result in an absent or disrupted protein product. Loss-of-function variants in GALC are known to be pathogenic (PMID: 7437911, 9272171, 16607461).

Literature cited by the submitters: PubMed 7437911; PubMed 9272171; PubMed 16607461.

NM_000153.4(GALC):c.1285_1324del (p.Lys429fs)

Gene: GALC (galactosylceramidase; minus strand). Cytogenetic location: 14q31.3.
Variant type: Deletion.
Coding change: c.1285_1324del on transcript NM_000153.4 (MANE Select); coding-DNA positions 1285 to 1324, 40 bases deleted.
Protein change: p.Lys429fs; shifts the reading frame from lysine 429.
Molecular consequence: frameshift variant.
Genome position (GRCh38, 1-based): chr14:87,949,859-87,949,898, 40 bases deleted; deleting any 40 consecutive bases within chr14:87,949,859-87,949,899 gives the same sequence; the c. name uses the placement nearest the transcript's 3' end. GRCh37 (hg19): chr14:88,416,204-88,416,243.
Other names: c.1216_1255del, p.Lys406fs (NM_001201401.2); c.1207_1246del, p.Lys403fs (NM_001201402.2); short protein forms K429fs, K403fs, K406fs.
Identifiers: ClinVar variation 1453424 (VCV001453424.6), dbSNP rs2139961448, ClinGen allele CA2573150296.